The following is an entry in ClinVar:

ClinVar aggregate classification (germline): Uncertain significance (1 of 4 stars; one submission).

Conditions:
Inborn genetic diseases. Identifiers: MedGen C0950123, MeSH D030342.

gnomAD v4.1: 6 of 1,614,134 alleles (0.00037%); highest among the groups gnomAD compares: Non-Finnish European, 0.00025%; no homozygotes.

Submission:

Ambry Genetics
Classification: Uncertain significance for Inborn genetic diseases. Last evaluated: 2025-08-24. Review status: criteria provided, single submitter. Criteria: Ambry Variant Classification Scheme 2023. Collection method: clinical testing. Allele origin: germline.
Comment: The p.K912Q variant (also known as c.2734A>C), located in coding exon 13 of the ASXL1 gene, results from an A to C substitution at nucleotide position 2734. The lysine at codon 912 is replaced by glutamine, an amino acid with similar properties. This amino acid position is conserved. In addition, this alteration is predicted to be tolerated by in silico analysis. Based on the available evidence, the clinical significance of this variant remains unclear.

NM_015338.6(ASXL1):c.2734A>C (p.Lys912Gln)

Gene: ASXL1 (ASXL transcriptional regulator 1; plus strand). Cytogenetic location: 20q11.21.
Variant type: single nucleotide variant.
Coding change: c.2734A>C on transcript NM_015338.6 (MANE Select); coding-DNA position 2734, A replaced by C.
Protein change: p.Lys912Gln; replaces lysine 912 with glutamine.
Molecular consequence: missense variant.
Genome position (GRCh38, 1-based): chr20:32,435,446, A>C. VCF-style: chr20-32435446-A-C. GRCh37 (hg19) VCF-style: chr20-31023249-A-C.
Other names: c.2551A>C, p.Lys851Gln (NM_001363734.1); short protein forms K912Q, K851Q.
Identifiers: ClinVar variation 4159175 (VCV004159175.1).
Genomic context (GRCh38, chr20:32,435,446, plus strand): 5'-TCTAACAGTTCTTTGCATTGGATACCCATCCCATCGAATGATGAGGTAGTGAAACAGCCC[A>C]AACCAGAATCCAGAGAACACATACCATCTGTTGAGCCCCAGGTTGGAGAGGAGTGGGAGA-3'
Protein context (NP_056153.2, residues 902-922): PSNDEVVKQP[Lys912Gln]PESREHIPSV